The following is an entry in ClinVar:

ClinVar aggregate classification (germline): Conflicting classifications of pathogenicity. Review status: criteria provided, conflicting classifications (1 of 4 stars). 5 submissions from 5 submitters: Uncertain significance (2); Likely benign (2). 1 of the submissions does not count toward it. Last evaluated 2026-01-06.

Conditions:
Inborn genetic diseases. Identifiers: MedGen C0950123, MeSH D030342.
HPS1-related disorder. Also called: HPS1-related condition.

Allele frequency attached by ClinVar (database versions not stated): gnomAD exomes 0.00005; ExAC 0.00013; gnomAD 0.00047; TOPMed 0.00054; ESP Exome Variant Server 0.00077.
gnomAD v4.1: 153 of 1,613,804 alleles (0.0095%); highest among the groups gnomAD compares: African/African-American, 0.16%; no homozygotes.

Submissions (5):

Labcorp Genetics (formerly Invitae), Labcorp
Classification: Likely benign. Last evaluated: 2026-01-06. Review status: criteria provided, single submitter. Criteria: Invitae Variant Classification Sherloc (09022015). Collection method: clinical testing. Allele origin: germline.

Women's Health and Genetics/Laboratory Corporation of America, LabCorp
Classification: Likely benign. Last evaluated: 2024-09-04. Review status: criteria provided, single submitter. Criteria: LabCorp Variant Classification Summary - May 2015. Collection method: clinical testing. Allele origin: germline.
Comment: Variant summary: HPS1 c.1265A>G (p.Gln422Arg) results in a conservative amino acid change in the encoded protein sequence. Three of five in-silico tools predict a benign effect of the variant on protein function. The variant allele was found at a frequency of 0.00012 in 249672 control chromosomes, predominantly at a frequency of 0.0012 within the African or African-American subpopulation in the gnomAD database. The observed variant frequency within African or African-American control individuals in the gnomAD database is approximately 1.25 fold of the estimated maximal expected allele frequency for a pathogenic variant in HPS1 causing Hermansky-Pudlak Syndrome phenotype (0.00096). To our knowledge, no occurrence of c.1265A>G in individuals affected with Hermansky-Pudlak Syndrome and no experimental evidence demonstrating its impact on protein function have been reported. ClinVar contains an entry for this variant (Variation ID: 2068714). Based on the evidence outlined above, the variant was classified as likely benign.

Ambry Genetics
Classification: Uncertain significance for Inborn genetic diseases. Last evaluated: 2024-06-07. Review status: criteria provided, single submitter. Criteria: Ambry Variant Classification Scheme 2023. Collection method: clinical testing. Allele origin: germline.

Blueprint Genetics
Classification: Uncertain significance. Last evaluated: 2021-01-28. Review status: criteria provided, single submitter. Criteria: ACMG Guidelines, 2015. Collection method: clinical testing. Allele origin: germline.

PreventionGenetics, part of Exact Sciences
Classification: Uncertain significance for HPS1-related condition. Last evaluated: 2024-03-31. Review status: no assertion criteria provided. Collection method: clinical testing. Allele origin: germline. Not counted in ClinVar's aggregate classification.
Comment: The HPS1 c.1265A>G variant is predicted to result in the amino acid substitution p.Gln422Arg. To our knowledge, this variant has not been reported in the literature. This variant is reported in 0.13% of alleles in individuals of African descent in gnomAD. At this time, the clinical significance of this variant is uncertain due to the absence of conclusive functional and genetic evidence.

NM_000195.5(HPS1):c.1265A>G (p.Gln422Arg)

Gene: HPS1 (HPS1 biogenesis of lysosomal organelles complex 3 subunit 1; minus strand). Cytogenetic location: 10q24.2.
Variant type: single nucleotide variant.
Coding change: c.1265A>G on transcript NM_000195.5 (MANE Select); coding-DNA position 1265, A replaced by G.
Protein change: p.Gln422Arg; replaces glutamine 422 with arginine.
Molecular consequence: missense variant.
Genome position (GRCh38, 1-based): chr10:98,425,611, T>C on the plus strand (A>G on the coding strand, the complement: HPS1 is on the minus strand). VCF-style: chr10-98425611-T-C. GRCh37 (hg19) VCF-style: chr10-100185368-T-C.
Other names: c.1265A>G (NM_000195.4, NM_000195.3); c.293A>G, p.Gln98Arg (NM_001311345.2, NM_001322487.2, NM_001322489.2); c.1265A>G, p.Gln422Arg (NM_001322476.2, NM_001322477.2); c.1166A>G, p.Gln389Arg (NM_001322478.2, NM_001322479.2); c.1004A>G, p.Gln335Arg (NM_001322480.2, NM_001322481.2); c.905A>G, p.Gln302Arg (NM_001322482.2); c.896A>G, p.Gln299Arg (NM_001322483.2, NM_001322484.2); c.797A>G, p.Gln266Arg (NM_001322485.2); short protein forms Q302R, Q335R, Q389R, Q98R, Q266R, Q299R, Q422R.
Identifiers: ClinVar variation 2068714 (VCV002068714.7), dbSNP rs143522382, ClinGen allele CA5639095.